The following is an entry in ClinVar:

ClinVar aggregate classification (germline): Pathogenic/Likely pathogenic. Review status: criteria provided, multiple submitters, no conflicts (2 of 4 stars). 5 submissions from 5 submitters: Pathogenic (3); Likely pathogenic (2). Last evaluated 2024-12-19.

Conditions:
Cystic fibrosis (CF). Also called: MUCOVISCIDOSIS. Identifiers: Orphanet 586, MedGen C0010674, MONDO:0009061, OMIM 219700. Disease mechanism: loss of function.

Submissions (6):

Genomic Medicine Center of Excellence, King Faisal Specialist Hospital and Research Centre
Classification: Pathogenic for Cystic fibrosis. Last evaluated: 2024-12-19. Review status: criteria provided, single submitter. Criteria: ACMG Guidelines, 2015. Collection method: clinical testing. Allele origin: germline.

Johns Hopkins Genomics, Johns Hopkins University
Classification: Pathogenic for Cystic fibrosis. Last evaluated: 2024-02-29. Review status: criteria provided, single submitter. Criteria: ACMG Guidelines, 2015. Collection method: clinical testing. Allele origin: germline.
Comment: Disease-causing CFTR variant. See CFTR2 for phenotype information.

Labcorp Genetics (formerly Invitae), Labcorp
Classification: Pathogenic for Cystic fibrosis. Last evaluated: 2023-12-01. Review status: criteria provided, single submitter. Criteria: Invitae Variant Classification Sherloc (09022015). Collection method: clinical testing. Allele origin: germline.
Comment: This sequence change affects a donor splice site in intron 1 of the CFTR gene. It is expected to disrupt RNA splicing. Variants that disrupt the donor or acceptor splice site typically lead to a loss of protein function (PMID: 16199547), and loss-of-function variants in CFTR are known to be pathogenic (PMID: 1695717, 7691345, 9725922). This variant is not present in population databases (gnomAD no frequency). Disruption of this splice site has been observed in individual(s) with cystic fibrosis (PMID: 31126253; Invitae). ClinVar contains an entry for this variant (Variation ID: 1746703). Algorithms developed to predict the effect of sequence changes on RNA splicing suggest that this variant may disrupt the consensus splice site. For these reasons, this variant has been classified as Pathogenic.

Revvity Omics, Revvity
Classification: Likely pathogenic. Last evaluated: 2022-03-10. Review status: criteria provided, single submitter. Criteria: ACMG Guidelines, 2015. Collection method: clinical testing. Allele origin: germline.

Ambry Genetics
Classification: Likely pathogenic for Cystic fibrosis. Last evaluated: 2017-10-11. Review status: criteria provided, single submitter. Criteria: Ambry Variant Classification Scheme 2023. Collection method: clinical testing. Allele origin: germline.
Comment: The c.53+2T>C intronic variant results from a T to C substitution two nucleotides after coding exon 1 in the CFTR gene. This nucleotide position is highly conserved in available vertebrate species. A second CFTR alteration was not identified in this individual; however, deletion/duplication analysis was not performed (Sobush KT et al. J Med Case Rep, 2013 Jul;7:203). Using the BDGP and ESEfinder splice site prediction tools, this alteration is predicted to abolish the native splice donor site; however, direct evidence is unavailable. Based on the majority of available evidence to date, this variant is likely to be pathogenic.

Dr. Peter K. Rogan Lab, Western University
No classification provided (evidence only). Condition: Colon adenocarcinoma. Review status: no classification provided. Collection method: in vitro. Allele origin: not applicable. Functional consequence: retained intron. Not counted in ClinVar's aggregate classification.

Literature cited by the submitters: PubMed 35934641 (cited by Johns Hopkins Genomics, Johns Hopkins University); PubMed 16199547 (cited by Labcorp Genetics (formerly Invitae), Labcorp); PubMed 1695717 (cited by Labcorp Genetics (formerly Invitae), Labcorp); PubMed 7691345 (cited by Labcorp Genetics (formerly Invitae), Labcorp); PubMed 9725922 (cited by Labcorp Genetics (formerly Invitae), Labcorp); PubMed 31126253 (cited by Labcorp Genetics (formerly Invitae), Labcorp); PubMed 23890029 (cited by Ambry Genetics).

NM_000492.4(CFTR):c.53+2T>C

Gene: CFTR (CF transmembrane conductance regulator; plus strand). Cytogenetic location: 7q31.2.
Variant type: single nucleotide variant.
Coding change: c.53+2T>C on transcript NM_000492.4 (MANE Select); the canonical splice donor site of the intron after coding-DNA position 53, T replaced by C.
Molecular consequence: splice donor variant.
Genome position (GRCh38, 1-based): chr7:117,480,149, T>C. VCF-style: chr7-117480149-T-C. GRCh37 (hg19) VCF-style: chr7-117120203-T-C.
Identifiers: ClinVar variation 1746703 (VCV001746703.11), dbSNP rs2484929014, ClinGen allele CA368981441.